The following is an entry in ClinVar:

ClinVar aggregate classification (germline): Uncertain significance (1 of 4 stars; one submission).

gnomAD v4.1: 1 of 1,614,114 alleles (0.000062%); no homozygotes.

Submission:

Ambry Genetics
Classification: Uncertain significance. Last evaluated: 2025-04-13. Review status: criteria provided, single submitter. Criteria: Ambry Variant Classification Scheme 2023. Collection method: clinical testing. Allele origin: germline.
Comment: The p.I164V variant (also known as c.490A>G), located in coding exon 4 of the RNF43 gene, results from an A to G substitution at nucleotide position 490. The isoleucine at codon 164 is replaced by valine, an amino acid with highly similar properties. This amino acid position is conserved. In addition, this alteration is predicted to be tolerated by in silico analysis. Based on the available evidence, the clinical significance of this variant remains unclear.

NM_017763.6(RNF43):c.490A>G (p.Ile164Val)

Gene: RNF43 (ring finger protein 43; minus strand). Cytogenetic location: 17q22.
Variant type: single nucleotide variant.
Coding change: c.490A>G on transcript NM_017763.6 (MANE Select); coding-DNA position 490, A replaced by G.
Protein change: p.Ile164Val; replaces isoleucine 164 with valine.
Molecular consequence: missense variant.
Genome position (GRCh38, 1-based): chr17:58,363,367, T>C on the plus strand (A>G on the coding strand, the complement: RNF43 is on the minus strand). VCF-style: chr17-58363367-T-C. GRCh37 (hg19) VCF-style: chr17-56440728-T-C.
Other names: c.490A>G, p.Ile164Val (NM_001305544.3); c.109A>G, p.Ile37Val (NM_001305545.2); short protein forms I164V, I37V.
Identifiers: ClinVar variation 3946854 (VCV003946854.1).